The following is an entry in ClinVar:

ClinVar aggregate classification (germline): Uncertain significance. Review status: criteria provided, multiple submitters, no conflicts (2 of 4 stars). 2 submissions from 2 submitters: Uncertain significance (2). Last evaluated 2026-03-04.

Conditions:
Hypertrophic cardiomyopathy. Also called: HYPERTROPHIC MYOCARDIOPATHY. Identifiers: Orphanet 217569, MedGen C0007194, MeSH D002312, MONDO:0005045, HP:0001639.
Cardiovascular phenotype. Identifiers: MedGen CN230736.

Submissions (2):

Ambry Genetics
Classification: Uncertain significance for Cardiovascular phenotype. Last evaluated: 2026-03-04. Review status: criteria provided, single submitter. Criteria: Ambry Variant Classification Scheme 2023. Collection method: clinical testing. Allele origin: germline.
Comment: The p.T665I variant (also known as c.1994C>T), located in coding exon 16 of the MYH7 gene, results from a C to T substitution at nucleotide position 1994. The threonine at codon 665 is replaced by isoleucine, an amino acid with similar properties. This variant was reported in individual(s) with dilated or unspecified cardiomyopathy (Mazzarotto F et al. Circulation, 2020 Feb;141:387-398; Bagnall RD et al. Circ Genom Precis Med, 2022 Dec;15:e003686; McGurk KA et al. Am J Hum Genet, 2023 Sep;110:1482-1495). This amino acid position is highly conserved in available vertebrate species. In addition, this alteration is predicted to be deleterious by in silico analysis. Based on the available evidence, the clinical significance of this variant remains unclear.

Labcorp Genetics (formerly Invitae), Labcorp
Classification: Uncertain significance for Hypertrophic cardiomyopathy. Last evaluated: 2022-12-12. Review status: criteria provided, single submitter. Criteria: Invitae Variant Classification Sherloc (09022015). Collection method: clinical testing. Allele origin: germline.
Comment: This variant is not present in population databases (gnomAD no frequency). In summary, the available evidence is currently insufficient to determine the role of this variant in disease. Therefore, it has been classified as a Variant of Uncertain Significance. Advanced modeling of protein sequence and biophysical properties (such as structural, functional, and spatial information, amino acid conservation, physicochemical variation, residue mobility, and thermodynamic stability) performed at Invitae indicates that this missense variant is expected to disrupt MYH7 protein function. ClinVar contains an entry for this variant (Variation ID: 863018). This missense change has been observed in individual(s) with dilated cardiomyopathy (PMID: 31983221). This sequence change replaces threonine, which is neutral and polar, with isoleucine, which is neutral and non-polar, at codon 665 of the MYH7 protein (p.Thr665Ile).

Literature cited by the submitters: PubMed 31983221 (cited by Ambry Genetics and Labcorp Genetics (formerly Invitae), Labcorp); PubMed 36252119 (cited by Ambry Genetics); PubMed 37652022 (cited by Ambry Genetics).

NM_000257.4(MYH7):c.1994C>T (p.Thr665Ile)

Gene: MYH7 (myosin heavy chain 7; minus strand). Cytogenetic location: 14q11.2.
Variant type: single nucleotide variant.
Coding change: c.1994C>T on transcript NM_000257.4 (MANE Select); coding-DNA position 1994, C replaced by T.
Protein change: p.Thr665Ile; replaces threonine 665 with isoleucine.
Molecular consequence: missense variant.
Genome position (GRCh38, 1-based): chr14:23,426,827, G>A on the plus strand (C>T on the coding strand, the complement: MYH7 is on the minus strand). VCF-style: chr14-23426827-G-A. GRCh37 (hg19) VCF-style: chr14-23896036-G-A.
Other names: short protein forms T665I.
Identifiers: ClinVar variation 863018 (VCV000863018.10), dbSNP rs1892712828, ClinGen allele CA389049363.